The following is an entry in ClinVar:

NM_001366385.1(CARD14):c.2377T>G (p.Leu793Val)

Genes: SGSH (N-sulfoglucosamine sulfohydrolase; minus strand), CARD14 (caspase recruitment domain family member 14; plus strand). Cytogenetic location: 17q25.3.
Variant type: single nucleotide variant.
Coding change: c.2377T>G on transcript NM_001366385.1 (MANE Select); coding-DNA position 2377, T replaced by G.
Protein change: p.Leu793Val; replaces leucine 793 with valine.
Molecular consequence: missense variant. On other transcripts: non-coding transcript variant (1).
Genome position (GRCh38, 1-based): chr17:80,204,320, T>G. VCF-style: chr17-80204320-T-G. GRCh37 (hg19) VCF-style: chr17-78178119-T-G.
Other names: c.2377T>G, p.Leu793Val (NM_024110.4); short protein forms L793V.
Identifiers: ClinVar variation 2937857 (VCV002937857.3), dbSNP rs139595123, ClinGen allele CA401355627.

ClinVar aggregate classification (germline): Uncertain significance (1 of 4 stars; one submission).

Conditions:
Psoriasis 2. Identifiers: MedGen C1864497, MONDO:0011269, OMIM 602723.
Pityriasis rubra pilaris (PRP). Also called: Pityriasis rubra pilaris--familial type. Identifiers: Orphanet 2897, MedGen C0032027, MONDO:0100017, OMIM 173200, MONDO:0008251.

Submission:

Labcorp Genetics (formerly Invitae), Labcorp
Classification: Uncertain significance for Pityriasis rubra pilaris; Psoriasis 2. Last evaluated: 2023-07-17. Review status: criteria provided, single submitter. Criteria: Invitae Variant Classification Sherloc (09022015). Collection method: clinical testing. Allele origin: germline.
Comment: In summary, the available evidence is currently insufficient to determine the role of this variant in disease. Therefore, it has been classified as a Variant of Uncertain Significance. Advanced modeling of protein sequence and biophysical properties (such as structural, functional, and spatial information, amino acid conservation, physicochemical variation, residue mobility, and thermodynamic stability) performed at Invitae indicates that this missense variant is not expected to disrupt CARD14 protein function. This variant has not been reported in the literature in individuals affected with CARD14-related conditions. This variant is not present in population databases (gnomAD no frequency). This sequence change replaces leucine, which is neutral and non-polar, with valine, which is neutral and non-polar, at codon 793 of the CARD14 protein (p.Leu793Val).